The following is an entry in ClinVar:

NM_003477.3(PDHX):c.*27A>C

Gene: PDHX (pyruvate dehydrogenase complex component X; plus strand). Cytogenetic location: 11p13.
Variant type: single nucleotide variant.
Coding change: c.*27A>C on transcript NM_003477.3 (MANE Select); 27 bases downstream of the stop codon, A replaced by C.
Molecular consequence: 3 prime UTR variant.
Genome position (GRCh38, 1-based): chr11:34,995,199, A>C. VCF-style: chr11-34995199-A-C. GRCh37 (hg19) VCF-style: chr11-35016746-A-C.
Other names: c.*27A>C (NM_001135024.2, NM_001166158.2).
Identifiers: ClinVar variation 304474 (VCV000304474.7), dbSNP rs74524673, ClinGen allele CA5946215.

ClinVar aggregate classification (germline): Benign/Likely benign. Review status: criteria provided, multiple submitters, no conflicts (2 of 4 stars). 2 submissions from 2 submitters: Benign (1); Likely benign (1). Last evaluated 2018-06-14.

Conditions:
Pyruvate dehydrogenase E3-binding protein deficiency (PDHXD). Also called: LACTIC ACIDEMIA DUE TO DEFECT IN LIPOYL-CONTAINING COMPONENT X OF THE PYRUVATE DEHYDROGENASE COMPLEX; E3-Binding Protein (Component X) Deficiency; Lacticacidemia due to PDX1 deficiency; PYRUVATE HYDROGENASE E3-BINDING PROTEIN DEFICIENCY. Identifiers: Orphanet 255182, MedGen C1855553, MONDO:0009503, OMIM 245349.

Allele frequency attached by ClinVar (database versions not stated): 1000 Genomes Project 30x 0.00265; gnomAD 0.00299; 1000 Genomes Project 0.00319; ESP Exome Variant Server 0.00031; TOPMed 0.00073.
gnomAD v4.1: 2,305 of 1,612,156 alleles (0.14%); highest among the groups gnomAD compares: East Asian, 2.1%; 31 homozygotes.

Submissions (2):

GeneDx
Classification: Likely benign. Last evaluated: 2018-06-14. Review status: criteria provided, single submitter. Criteria: GeneDx Variant Classification Process June 2021. Collection method: clinical testing. Allele origin: germline. Affected: yes.

Illumina Laboratory Services, Illumina
Classification: Benign for Pyruvate dehydrogenase E3-binding protein deficiency. Last evaluated: 2018-01-12. Review status: criteria provided, single submitter. Criteria: ICSL Variant Classification Criteria 13 December 2019. Collection method: clinical testing. Allele origin: germline.
Comment: This variant was observed in the ICSL laboratory as part of a predisposition screen in an ostensibly healthy population. It had not been previously curated by ICSL or reported in the Human Gene Mutation Database (HGMD: prior to June 1st, 2018), and was therefore a candidate for classification through an automated scoring system. Utilizing variant allele frequency, disease prevalence and penetrance estimates, and inheritance mode, an automated score was calculated to assess if this variant is too frequent to cause the disease. Based on the score and internal cut-off values, a variant classified as benign is not then subjected to further curation. The score for this variant resulted in a classification of benign for this disease.